The following is an entry in ClinVar:

ClinVar aggregate classification (germline): Benign (1 of 4 stars; one submission).

Conditions:
Familial cancer of breast. Also called: hereditary breast carcinoma; Hereditary breast cancer; BREAST CANCER, FAMILIAL. Identifiers: Orphanet 227535, MedGen C0346153, MONDO:0016419, OMIM 114480. Disease mechanism: loss of function.

Submission:

Myriad Genetics, Inc.
Classification: Benign for Familial cancer of breast. Last evaluated: 2024-07-23. Review status: criteria provided, single submitter. Criteria: Myriad Autosomal Dominant, Autosomal Recessive and X-Linked Classification Criteria (2023). Collection method: clinical testing. Allele origin: unknown.
Comment: This variant is considered benign. This variant is a silent/synonymous amino acid change and it is not expected to impact splicing.

NM_000465.4(BARD1):c.849T>G (p.Ala283=)

Gene: BARD1 (BRCA1 associated RING domain 1; minus strand). Cytogenetic location: 2q35.
Variant type: single nucleotide variant.
Coding change: c.849T>G on transcript NM_000465.4 (MANE Select); coding-DNA position 849, T replaced by G.
Protein change: p.Ala283=; no amino-acid change (alanine 283 retained).
Molecular consequence: synonymous variant. On other transcripts: non-coding transcript variant (2), intron variant (3).
Genome position (GRCh38, 1-based): chr2:214,781,025, A>C on the plus strand (T>G on the coding strand, the complement: BARD1 is on the minus strand). VCF-style: chr2-214781025-A-C. GRCh37 (hg19) VCF-style: chr2-215645749-A-C.
Other names: c.792T>G, p.Ala264= (NM_001282543.2); c.158+28387T>G (NM_001282548.2); c.215+16036T>G (NM_001282545.2); c.364+11272T>G (NM_001282549.2).
Identifiers: ClinVar variation 3379045 (VCV003379045.1).
Genomic context (GRCh38, chr2:214,781,025, plus strand): 5'-GACCTTCTCAGGAGTCACTACTTCATTCCTGCTCTTAGTGTCTGGAGACTCTATTTGCTC[A>C]GCCAATGGTAAAGAGACTTCAGTTAAACTTCCAAAACATTCAGATTCTGTCAAGGAGCCA-3'
Protein context (NP_000456.2, residues 273-293): GSLTEVSLPL[Ala283=]EQIESPDTKS